The following is an entry in ClinVar:

ClinVar aggregate classification (germline): Uncertain significance (1 of 4 stars; one submission).

Submission:

Ambry Genetics
Classification: Uncertain significance. Last evaluated: 2025-05-16. Review status: criteria provided, single submitter. Criteria: Ambry Variant Classification Scheme 2023. Collection method: clinical testing. Allele origin: germline.
Comment: The p.A808S variant (also known as c.2422G>T), located in coding exon 6 of the CDK12 gene, results from a G to T substitution at nucleotide position 2422. The alanine at codon 808 is replaced by serine, an amino acid with similar properties. This amino acid position is conserved. In addition, this alteration is predicted to be tolerated by in silico analysis. Based on the available evidence, the clinical significance of this variant remains unclear.

NM_016507.4(CDK12):c.2422G>T (p.Ala808Ser)

Gene: CDK12 (cyclin dependent kinase 12; plus strand). Cytogenetic location: 17q12.
Variant type: single nucleotide variant.
Coding change: c.2422G>T on transcript NM_016507.4 (MANE Select); coding-DNA position 2422, G replaced by T.
Protein change: p.Ala808Ser; replaces alanine 808 with serine.
Molecular consequence: missense variant.
Genome position (GRCh38, 1-based): chr17:39,501,252, G>T. VCF-style: chr17-39501252-G-T. GRCh37 (hg19) VCF-style: chr17-37657505-G-T.
Other names: c.2422G>T, p.Ala808Ser (NM_015083.4); short protein forms A808S.
Identifiers: ClinVar variation 3999457 (VCV003999457.1).